The following is an entry in ClinVar:

NM_015311.3(OBSL1):c.241G>T (p.Val81Phe)

Gene: OBSL1 (obscurin like cytoskeletal adaptor 1; minus strand). Cytogenetic location: 2q35.
Variant type: single nucleotide variant.
Coding change: c.241G>T on transcript NM_015311.3 (MANE Select); coding-DNA position 241, G replaced by T.
Protein change: p.Val81Phe; replaces valine 81 with phenylalanine.
Molecular consequence: missense variant.
Genome position (GRCh38, 1-based): chr2:219,570,992, C>A on the plus strand (G>T on the coding strand, the complement: OBSL1 is on the minus strand). VCF-style: chr2-219570992-C-A. GRCh37 (hg19) VCF-style: chr2-220435714-C-A.
Other names: c.241G>T (NM_015311.2); c.241G>T, p.Val81Phe (NM_001173408.2, NM_001173431.2); short protein forms V81F.
Identifiers: ClinVar variation 1429150 (VCV001429150.6), dbSNP rs775129122, ClinGen allele CA2131816.

ClinVar aggregate classification (germline): Uncertain significance. Review status: criteria provided, multiple submitters, no conflicts (2 of 4 stars). 4 submissions from 4 submitters: Uncertain significance (4). Last evaluated 2026-03-31.

Conditions:
Inborn genetic diseases. Identifiers: MedGen C0950123, MeSH D030342.

Allele frequency attached by ClinVar (database versions not stated): gnomAD 0.00003 and 0.00011; TOPMed 0.00004; gnomAD exomes 0.00028; 1000 Genomes Project 30x 0.00109; ExAC 0.00164.
gnomAD v4.1: 143 of 1,396,638 alleles (0.01%); highest among the groups gnomAD compares: South Asian, 0.12%; 1 homozygote.

Submissions (4):

Women's Health and Genetics/Laboratory Corporation of America, LabCorp
Classification: Uncertain significance. Last evaluated: 2026-03-31. Review status: criteria provided, single submitter. Criteria: LabCorp Variant Classification Summary - May 2015. Collection method: clinical testing. Allele origin: germline.
Comment: Variant summary: OBSL1 c.241G>T (p.Val81Phe) results in a non-conservative amino acid change in the encoded protein sequence. Algorithms developed to predict the effect of missense changes on protein structure and function are either unavailable or do not agree on the potential impact of this missense change. The variant allele was found at a frequency of 0.00028 in 49326 control chromosomes. This frequency is not significantly higher than estimated for disease-causing variants in OBSL1, allowing no conclusion about variant significance. To our knowledge, no occurrence of c.241G>T in individuals affected with OBSL1-related conditions and no experimental evidence demonstrating its impact on protein function have been reported. ClinVar contains an entry for this variant (Variation ID: 1429150). Based on the evidence outlined above, the variant was classified as uncertain significance.

Ambry Genetics
Classification: Uncertain significance for Inborn genetic diseases. Last evaluated: 2024-09-08. Review status: criteria provided, single submitter. Criteria: Ambry Variant Classification Scheme 2023. Collection method: clinical testing. Allele origin: germline.

Labcorp Genetics (formerly Invitae), Labcorp
Classification: Uncertain significance. Last evaluated: 2022-06-05. Review status: criteria provided, single submitter. Criteria: Invitae Variant Classification Sherloc (09022015). Collection method: clinical testing. Allele origin: germline.
Comment: This sequence change replaces valine, which is neutral and non-polar, with phenylalanine, which is neutral and non-polar, at codon 81 of the OBSL1 protein (p.Val81Phe). This variant is present in population databases (rs775129122, gnomAD 0.07%). This variant has not been reported in the literature in individuals affected with OBSL1-related conditions. ClinVar contains an entry for this variant (Variation ID: 1429150). Algorithms developed to predict the effect of missense changes on protein structure and function (SIFT, PolyPhen-2, Align-GVGD) all suggest that this variant is likely to be tolerated. In summary, the available evidence is currently insufficient to determine the role of this variant in disease. Therefore, it has been classified as a Variant of Uncertain Significance.

Breakthrough Genomics
Classification: Uncertain significance. Review status: criteria provided, single submitter. Criteria: ACMG Guidelines, 2015. Collection method: not provided. Allele origin: germline. Inheritance: Autosomal recessive inheritance. Affected: yes.